The following is an entry in ClinVar:

ClinVar aggregate classification (germline): Uncertain significance (1 of 4 stars; one submission).

gnomAD v4.1: 5 of 1,613,558 alleles (0.00031%); highest among the groups gnomAD compares: South Asian, 0.0022%; no homozygotes.

Submission:

Women's Health and Genetics/Laboratory Corporation of America, LabCorp
Classification: Uncertain significance. Last evaluated: 2025-05-13. Review status: criteria provided, single submitter. Criteria: LabCorp Variant Classification Summary - May 2015. Collection method: clinical testing. Allele origin: germline.
Comment: Variant summary: ADAMTS13 c.1226G>A (p.Arg409Gln) results in a conservative amino acid change in the encoded protein sequence. Algorithms developed to predict the effect of missense changes on protein structure and function are either unavailable or do not agree on the potential impact of this missense change. The variant was absent in 250558 control chromosomes. c.1226G>A has been observed in individual(s) affected with Thrombotic Thrombocytopenic Purpura and related conditions (Rao_2019, internal_testing). These data indicate that the variant may be associated with disease. To our knowledge, no experimental evidence demonstrating an impact on protein function has been reported. The following publications have been ascertained in the context of this evaluation (PMID: 31328266). No submitters have cited clinical-significance assessments for this variant to ClinVar. Based on the evidence outlined above, the variant was classified as VUS-possibly pathogenic.

Literature cited by the submitters: PubMed 31328266.

NM_139027.6(ADAMTS13):c.1226G>A (p.Arg409Gln)

Gene: ADAMTS13 (ADAM metallopeptidase with thrombospondin type 1 motif 13; plus strand). Cytogenetic location: 9q34.2.
Variant type: single nucleotide variant.
Coding change: c.1226G>A on transcript NM_139027.6 (MANE Select); coding-DNA position 1226, G replaced by A.
Protein change: p.Arg409Gln; replaces arginine 409 with glutamine.
Molecular consequence: missense variant.
Genome position (GRCh38, 1-based): chr9:133,433,511, G>A. VCF-style: chr9-133433511-G-A. GRCh37 (hg19) VCF-style: chr9-136298631-G-A.
Other names: c.1226G>A, p.Arg409Gln (NM_139025.5); c.1133G>A, p.Arg378Gln (NM_139026.6); short protein forms R378Q, R409Q.
Identifiers: ClinVar variation 3902251 (VCV003902251.1).